The following is an entry in ClinVar:

ClinVar aggregate classification (germline): Pathogenic/Likely pathogenic. Review status: criteria provided, multiple submitters, no conflicts (2 of 4 stars). 3 submissions from 3 submitters: Pathogenic (1); Likely pathogenic (1). 1 of the submissions does not count toward it. Last evaluated 2025-02-18.

Conditions:
RYR1-related disorder. Also called: RYR1-related condition; RYR1-related disorders. Identifiers: MedGen CN239331.

Submissions (3):

GeneDx
Classification: Likely pathogenic. Last evaluated: 2025-02-18. Review status: criteria provided, single submitter. Criteria: GeneDx Variant Classification Process June 2021. Collection method: clinical testing. Allele origin: germline. Affected: yes.
Comment: Identified in the heterozygous state in individuals with central core myopathy in published literature (PMID: 33458582, 35428369); In silico analysis supports that this missense variant has a deleterious effect on protein structure/function; Not observed at significant frequency in large population cohorts (gnomAD); This variant is associated with the following publications: (PMID: 33458582, 35428369, 33767344, 20681998)

Labcorp Genetics (formerly Invitae), Labcorp
Classification: Pathogenic for RYR1-related disorder. Last evaluated: 2024-10-28. Review status: criteria provided, single submitter. Criteria: Invitae Variant Classification Sherloc (09022015). Collection method: clinical testing. Allele origin: germline.
Comment: This sequence change replaces histidine, which is basic and polar, with arginine, which is basic and polar, at codon 4651 of the RYR1 protein (p.His4651Arg). This variant is not present in population databases (gnomAD no frequency). This missense change has been observed in individuals with clinical features of autosomal dominant RYR1-related myopathies (PMID: 33458582, 35428369; internal data). ClinVar contains an entry for this variant (Variation ID: 478194). Invitae Evidence Modeling of protein sequence and biophysical properties (such as structural, functional, and spatial information, amino acid conservation, physicochemical variation, residue mobility, and thermodynamic stability) indicates that this missense variant is expected to disrupt RYR1 protein function with a positive predictive value of 80%. This variant disrupts the p.His4651 amino acid residue in RYR1. Other variant(s) that disrupt this residue have been determined to be pathogenic (PMID: 12565913, 35693006). This suggests that this residue is clinically significant, and that variants that disrupt this residue are likely to be disease-causing. For these reasons, this variant has been classified as Pathogenic.

Revvity Omics, Revvity
Classification: Uncertain significance. Last evaluated: 2020-03-27. Review status: flagged submission. Criteria: ACMG Guidelines, 2015. Collection method: clinical testing. Allele origin: germline. Not counted in ClinVar's aggregate classification.
ClinVar note: Reason: Claim with insufficient supporting evidence

Literature cited by the submitters: PubMed 33458582 (cited by Labcorp Genetics (formerly Invitae), Labcorp); PubMed 35428369 (cited by Labcorp Genetics (formerly Invitae), Labcorp); PubMed 12565913 (cited by Labcorp Genetics (formerly Invitae), Labcorp); PubMed 35693006 (cited by Labcorp Genetics (formerly Invitae), Labcorp).

NM_000540.3(RYR1):c.13952A>G (p.His4651Arg)

Gene: RYR1 (ryanodine receptor 1; plus strand). Cytogenetic location: 19q13.2.
Variant type: single nucleotide variant.
Coding change: c.13952A>G on transcript NM_000540.3 (MANE Select); coding-DNA position 13952, A replaced by G.
Protein change: p.His4651Arg; replaces histidine 4651 with arginine.
Molecular consequence: missense variant.
Genome position (GRCh38, 1-based): chr19:38,572,224, A>G. VCF-style: chr19-38572224-A-G. GRCh37 (hg19) VCF-style: chr19-39062864-A-G.
Other names: c.13937A>G, p.His4646Arg (NM_001042723.2); short protein forms H4651R, H4646R.
Identifiers: ClinVar variation 478194 (VCV000478194.10), dbSNP rs118192139, ClinGen allele CA405681310.
Genomic context (GRCh38, chr19:38,572,224, plus strand): 5'-ACTTCCTGGAGGAAAGCACAGGCTACATGGAACCCGCCCTGCGGTGTCTGAGCCTCCTGC[A>G]TACACTGGTGGCCTTTCTCTGCATCATTGGCTATAATTGTCTCAAGGTGGGCCCATGGCC-3'
Protein context (NP_000531.2, residues 4641-4661): EPALRCLSLL[His4651Arg]TLVAFLCIIG